The following is an entry in ClinVar:

ClinVar aggregate classification (germline): Uncertain significance. Review status: criteria provided, multiple submitters, no conflicts (2 of 4 stars). 2 submissions from 2 submitters: Uncertain significance (2). Last evaluated 2024-08-20.

Allele frequency attached by ClinVar (database versions not stated): TOPMed 0.00002; ExAC 0.00003; gnomAD 0.00003; gnomAD exomes 0.00004.
gnomAD v4.1: 89 of 1,613,858 alleles (0.0055%); highest among the groups gnomAD compares: Non-Finnish European, 0.0069%; no homozygotes.

Submissions (2):

GeneDx
Classification: Uncertain significance. Last evaluated: 2024-08-20. Review status: criteria provided, single submitter. Criteria: GeneDx Variant Classification Process June 2021. Collection method: clinical testing. Allele origin: germline. Affected: yes.
Comment: Nonsense variant predicted to result in protein truncation as the last 3 amino acids are lost in a gene for which loss-of-function is not an established mechanism of disease; Has not been previously published as pathogenic or benign to our knowledge; Variants in candidate genes are classified as variants of uncertain significance in accordance with ACMG guidelines (PMID: 25741868)

Eurofins Ntd Llc (ga)
Classification: Uncertain significance. Last evaluated: 2016-01-06. Review status: criteria provided, single submitter. Criteria: EGL Classification Definitions 2015. Collection method: clinical testing. Allele origin: germline. Observed: 1 variant allele, 1 heterozygote.

NM_001042517.2(DIAPH3):c.3571C>T (p.Arg1191Ter)

Gene: DIAPH3 (diaphanous related formin 3; minus strand). Cytogenetic location: 13q21.2.
Variant type: single nucleotide variant.
Coding change: c.3571C>T on transcript NM_001042517.2 (MANE Select); coding-DNA position 3571, C replaced by T.
Protein change: p.Arg1191Ter; replaces arginine 1191 with a stop codon.
Molecular consequence: nonsense.
Genome position (GRCh38, 1-based): chr13:59,666,595, G>A on the plus strand (C>T on the coding strand, the complement: DIAPH3 is on the minus strand). VCF-style: chr13-59666595-G-A. GRCh37 (hg19) VCF-style: chr13-60240729-G-A.
Other names: c.3538C>T, p.Arg1180Ter (NM_001258366.2); c.3433C>T, p.Arg1145Ter (NM_001258367.2); c.3361C>T, p.Arg1121Ter (NM_001258368.2); short protein forms R1191*, R1180*, R1145*, R1121*.
Identifiers: ClinVar variation 285604 (VCV000285604.8), dbSNP rs546723182, ClinGen allele CA6995994.
Genomic context (GRCh38, chr13:59,666,595, plus strand): 5'-GCATGGCTTTATATTTGGCTTAATCATTTTTTTTAAAAACCAGTTTAACTTATAAAGCTC[G>A]TAATCTTGCCAGCAGGGCTTCAACTTCGGGAACTGATTCATTTTTAGAAAAAGAGCCAAG-3'